The following is an entry in ClinVar:

NM_005089.4(ZRSR2):c.283G>A (p.Ala95Thr)

Gene: ZRSR2 (zinc finger CCCH-type, RNA binding motif and serine/arginine rich 2; plus strand). Cytogenetic location: Xp22.2.
Variant type: single nucleotide variant.
Coding change: c.283G>A on transcript NM_005089.4 (MANE Select); coding-DNA position 283, G replaced by A.
Protein change: p.Ala95Thr; replaces alanine 95 with threonine.
Molecular consequence: missense variant.
Genome position (GRCh38, 1-based): chrX:15,803,767, G>A. VCF-style: chrX-15803767-G-A. GRCh37 (hg19) VCF-style: chrX-15821890-G-A.
Other names: short protein forms A95T.
Identifiers: ClinVar variation 135496 (VCV000135496.1), dbSNP rs188867560, ClinGen allele CA162947.

ClinVar aggregate classification (germline): not provided (0 of 4 stars; one submission).

Allele frequency attached by ClinVar (database versions not stated): gnomAD 0.00043 and 0.00052; gnomAD exomes 0.00050 and 0.00162; TOPMed 0.00063; 1000 Genomes Project 30x 0.00250; ExAC 0.00274; 1000 Genomes Project 0.00291.
gnomAD v4.1: 631 of 1,193,897 alleles (0.053%); highest among the groups gnomAD compares: East Asian, 1.6%; 4 homozygotes.

Submission:

ITMI
No classification provided. Condition: AllHighlyPenetrant. Last evaluated: 2013-09-19. Review status: no classification provided. Collection method: reference population. Allele origin: germline.
Comment: Please see associated publication for description of ethnicities

Literature cited by the submitters: PubMed 24728327.